The following is an entry in ClinVar:

NM_001005373.4(LRSAM1):c.1422+3G>A

Gene: LRSAM1 (leucine rich repeat and sterile alpha motif containing 1; plus strand). Cytogenetic location: 9q33.3.
Variant type: single nucleotide variant.
Coding change: c.1422+3G>A on transcript NM_001005373.4 (MANE Select); 3 bases into the intron after coding-DNA position 1422, G replaced by A.
Molecular consequence: intron variant.
Genome position (GRCh38, 1-based): chr9:127,489,521, G>A. VCF-style: chr9-127489521-G-A. GRCh37 (hg19) VCF-style: chr9-130251800-G-A.
Other names: c.1422+3G>A (NM_001384143.1, NM_001190723.3, NM_001005374.4 and 2 more transcripts); c.633+3G>A (NM_001384144.1).
Identifiers: ClinVar variation 4772259 (VCV004772259.1).

ClinVar aggregate classification (germline): Uncertain significance (1 of 4 stars; one submission).

Conditions:
Charcot-Marie-Tooth disease axonal type 2P. Also called: CHARCOT-MARIE-TOOTH NEUROPATHY, TYPE 2P; CHARCOT-MARIE-TOOTH DISEASE, AXONAL, TYPE 2G; CMT 2G; Charcot-Marie-Tooth Neuropathy Type 2G. Identifiers: Orphanet 300319, Orphanet 99941, MedGen C3280797, MONDO:0013753, OMIM 614436.

Submission:

Labcorp Genetics (formerly Invitae), Labcorp
Classification: Uncertain significance for Charcot-Marie-Tooth disease axonal type 2P. Last evaluated: 2025-01-30. Review status: criteria provided, single submitter. Criteria: Invitae Variant Classification Sherloc (09022015). Collection method: clinical testing. Allele origin: germline.
Comment: This sequence change falls in intron 18 of the LRSAM1 gene. It does not directly change the encoded amino acid sequence of the LRSAM1 protein. It affects a nucleotide within the consensus splice site. This variant is present in population databases (no rsID available, gnomAD no frequency). This variant has not been reported in the literature in individuals affected with LRSAM1-related conditions. Variants that disrupt the consensus splice site are a relatively common cause of aberrant splicing (PMID: 17576681, 9536098). Algorithms developed to predict the effect of sequence changes on RNA splicing suggest that this variant is not likely to affect RNA splicing. In summary, the available evidence is currently insufficient to determine the role of this variant in disease. Therefore, it has been classified as a Variant of Uncertain Significance.

Literature cited by the submitters: PubMed 17576681; PubMed 9536098.